The following is an entry in ClinVar:

NM_017672.6(TRPM7):c.4568A>G (p.Gln1523Arg)

Gene: TRPM7 (transient receptor potential cation channel subfamily M member 7; minus strand). Cytogenetic location: 15q21.2.
Variant type: single nucleotide variant.
Coding change: c.4568A>G on transcript NM_017672.6 (MANE Select); coding-DNA position 4568, A replaced by G.
Protein change: p.Gln1523Arg; replaces glutamine 1523 with arginine.
Molecular consequence: missense variant. On other transcripts: non-coding transcript variant (3).
Genome position (GRCh38, 1-based): chr15:50,580,898, T>C on the plus strand (A>G on the coding strand, the complement: TRPM7 is on the minus strand). VCF-style: chr15-50580898-T-C. GRCh37 (hg19) VCF-style: chr15-50873095-T-C.
Other names: c.4565A>G, p.Gln1522Arg (NM_001301212.2); c.4568A>G (NM_017672.4); short protein forms Q1522R, Q1523R.
Identifiers: ClinVar variation 3374828 (VCV003374828.2).

ClinVar aggregate classification (germline): Uncertain significance. Review status: criteria provided, multiple submitters, no conflicts (2 of 4 stars). 2 submissions from 2 submitters: Uncertain significance (2). Last evaluated 2024-11-25.

gnomAD v4.1: 138 of 1,584,508 alleles (0.0087%); highest among the groups gnomAD compares: Non-Finnish European, 0.011%; no homozygotes.

Submissions (2):

Ambry Genetics
Classification: Uncertain significance. Last evaluated: 2024-11-25. Review status: criteria provided, single submitter. Criteria: Ambry Variant Classification Scheme 2023. Collection method: clinical testing. Allele origin: germline.

Women's Health and Genetics/Laboratory Corporation of America, LabCorp
Classification: Uncertain significance. Last evaluated: 2024-09-13. Review status: criteria provided, single submitter. Criteria: LabCorp Variant Classification Summary - May 2015. Collection method: clinical testing. Allele origin: germline.
Comment: Variant summary: TRPM7 c.4568A>G (p.Gln1523Arg) results in a conservative amino acid change in the encoded protein sequence. Four of five in-silico tools predict a benign effect of the variant on protein function. The variant allele was found at a frequency of 3.1e-05 in 224258 control chromosomes. The available data on variant occurrences in the general population are insufficient to allow any conclusion about variant significance. To our knowledge, no occurrence of c.4568A>G in individuals affected with Amyotrophic Lateral Sclerosis-Parkinsonism Complex and no experimental evidence demonstrating its impact on protein function have been reported. No submitters have cited clinical-significance assessments for this variant to ClinVar. Based on the evidence outlined above, the variant was classified as uncertain significance.